The following is an entry in ClinVar:

NM_025150.5(TARS2):c.517A>G (p.Ile173Val)

Gene: TARS2 (threonyl-tRNA synthetase 2, mitochondrial; plus strand). Cytogenetic location: 1q21.2.
Variant type: single nucleotide variant.
Coding change: c.517A>G on transcript NM_025150.5 (MANE Select); coding-DNA position 517, A replaced by G.
Protein change: p.Ile173Val; replaces isoleucine 173 with valine.
Molecular consequence: missense variant. On other transcripts: non-coding transcript variant (1).
Genome position (GRCh38, 1-based): chr1:150,491,398, A>G. VCF-style: chr1-150491398-A-G. GRCh37 (hg19) VCF-style: chr1-150463874-A-G.
Other names: c.517A>G, p.Ile173Val (NM_001271895.2, NM_001271896.2); short protein forms I173V.
Identifiers: ClinVar variation 5008468 (VCV005008468.1).

ClinVar aggregate classification (germline): Uncertain significance (1 of 4 stars; one submission).

gnomAD v4.1: 7 of 1,612,700 alleles (0.00043%); highest among the groups gnomAD compares: Non-Finnish European, 0.00059%; no homozygotes.

Submission:

GeneDx
Classification: Uncertain significance. Last evaluated: 2026-03-05. Review status: criteria provided, single submitter. Criteria: GeneDx Variant Classification Process June 2021. Collection method: clinical testing. Allele origin: germline.
Comment: Not observed at significant frequency in large population cohorts (gnomAD); In silico analysis supports that this missense variant has a deleterious effect on splicing; In silico analysis suggests that this missense variant does not alter protein structure/function; Has not been previously published as pathogenic or benign to our knowledge